The following is an entry in ClinVar:

ClinVar aggregate classification (germline): Uncertain significance (1 of 4 stars; one submission).

Allele frequency attached by ClinVar (database versions not stated): gnomAD exomes below 0.00001.
gnomAD v4.1: 2 of 1,613,480 alleles (0.00012%); highest among the groups gnomAD compares: East Asian, 0.0022%; no homozygotes.

Submission:

Labcorp Genetics (formerly Invitae), Labcorp
Classification: Uncertain significance. Last evaluated: 2021-07-17. Review status: criteria provided, single submitter. Criteria: Invitae Variant Classification Sherloc (09022015). Collection method: clinical testing. Allele origin: germline.
Comment: This sequence change replaces arginine with lysine at codon 67 of the CYP2R1 protein (p.Arg67Lys). The arginine residue is moderately conserved and there is a small physicochemical difference between arginine and lysine. This variant is not present in population databases (ExAC no frequency). This variant has not been reported in the literature in individuals affected with CYP2R1-related conditions. Algorithms developed to predict the effect of missense changes on protein structure and function output the following: SIFT: "Tolerated"; PolyPhen-2: "Benign"; Align-GVGD: "Class C0". The lysine amino acid residue is found in multiple mammalian species, which suggests that this missense change does not adversely affect protein function. In summary, the available evidence is currently insufficient to determine the role of this variant in disease. Therefore, it has been classified as a Variant of Uncertain Significance.

NM_024514.5(CYP2R1):c.200G>A (p.Arg67Lys)

Genes: CYP2R1 (cytochrome P450 family 2 subfamily R member 1; minus strand), PDE3B (phosphodiesterase 3B; plus strand). Cytogenetic location: 11p15.2.
Variant type: single nucleotide variant.
Coding change: c.200G>A on transcript NM_024514.5 (MANE Select); coding-DNA position 200, G replaced by A.
Protein change: p.Arg67Lys; replaces arginine 67 with lysine.
Molecular consequence: missense variant.
Genome position (GRCh38, 1-based): chr11:14,892,006, C>T on the plus strand (G>A on the coding strand, the complement: CYP2R1 is on the minus strand). VCF-style: chr11-14892006-C-T. GRCh37 (hg19) VCF-style: chr11-14913552-C-T.
Other names: short protein forms R67K.
Identifiers: ClinVar variation 1368104 (VCV001368104.8), dbSNP rs1555017235, ClinGen allele CA379734533.